The following is an entry in ClinVar:

ClinVar aggregate classification (germline): Uncertain significance (1 of 4 stars; one submission).

Conditions:
Hereditary breast ovarian cancer syndrome. Also called: Hereditary breast and ovarian cancer syndrome (HBOC); BRCA1- and BRCA2-Associated Hereditary Breast and Ovarian Cancer; Hereditary breast and/or ovarian cancer syndrome; Hereditary breast and ovarian cancer; Breast and ovarian cancer; Hereditary breast and ovarian cancer syndrome. Identifiers: Orphanet 145, MedGen C0677776, MeSH D061325, MONDO:0003582. Disease mechanism: loss of function.

Submission:

Labcorp Genetics (formerly Invitae), Labcorp
Classification: Uncertain significance for Hereditary breast ovarian cancer syndrome. Last evaluated: 2024-06-22. Review status: criteria provided, single submitter. Criteria: Invitae Variant Classification Sherloc (09022015). Collection method: clinical testing. Allele origin: germline.
Comment: This sequence change replaces methionine, which is neutral and non-polar, with isoleucine, which is neutral and non-polar, at codon 546 of the BRCA1 protein (p.Met546Ile). This variant is not present in population databases (gnomAD no frequency). This variant has not been reported in the literature in individuals affected with BRCA1-related conditions. Advanced modeling of protein sequence and biophysical properties (such as structural, functional, and spatial information, amino acid conservation, physicochemical variation, residue mobility, and thermodynamic stability) performed at Invitae indicates that this missense variant is not expected to disrupt BRCA1 protein function with a negative predictive value of 95%. In summary, the available evidence is currently insufficient to determine the role of this variant in disease. Therefore, it has been classified as a Variant of Uncertain Significance.

NM_007294.4(BRCA1):c.1638G>C (p.Met546Ile)

Gene: BRCA1 (BRCA1 DNA repair associated; minus strand). Cytogenetic location: 17q21.31.
Variant type: single nucleotide variant.
Coding change: c.1638G>C on transcript NM_007294.4 (MANE Select); coding-DNA position 1638, G replaced by C.
Protein change: p.Met546Ile; replaces methionine 546 with isoleucine.
Molecular consequence: missense variant. On other transcripts: intron variant (137).
Genome position (GRCh38, 1-based): chr17:43,093,893, C>G on the plus strand (G>C on the coding strand, the complement: BRCA1 is on the minus strand). VCF-style: chr17-43093893-C-G. GRCh37 (hg19) VCF-style: chr17-41245910-C-G.
Other names: c.1425G>C, p.Met475Ile (NM_001407571.1, NM_001407853.1, NM_001407894.1 and 9 more transcripts); c.1638G>C, p.Met546Ile (NM_001407581.1, NM_001407582.1, NM_001407583.1 and 30 more transcripts); c.1635G>C, p.Met545Ile (NM_001407587.1, NM_001407590.1, NM_001407591.1 and 22 more transcripts); c.1629G>C, p.Met543Ile (NM_001407646.1, NM_001407647.1); c.1515G>C, p.Met505Ile (NM_001407648.1, NM_001407664.1, NM_001407665.1 and 19 more transcripts); c.1512G>C, p.Met504Ile (NM_001407649.1, NM_001407670.1, NM_001407671.1 and 11 more transcripts); c.1560G>C, p.Met520Ile (NM_001407653.1, NM_001407654.1, NM_001407655.1 and 4 more transcripts); c.1557G>C, p.Met519Ile (NM_001407659.1, NM_001407660.1, NM_001407661.1 and 1 more transcripts); and 40 more; short protein forms M435I, M378I, M434I, M475I, M505I, M519I, M546I, M478I.
Identifiers: ClinVar variation 3680144 (VCV003680144.2).